The following is an entry in ClinVar:

ClinVar aggregate classification (germline): Uncertain significance (1 of 4 stars; one submission).

gnomAD v4.1: 2 of 1,614,130 alleles (0.00012%); highest among the groups gnomAD compares: Non-Finnish European, 0.00017%; no homozygotes.

Submission:

Labcorp Genetics (formerly Invitae), Labcorp
Classification: Uncertain significance. Last evaluated: 2022-07-26. Review status: criteria provided, single submitter. Criteria: Invitae Variant Classification Sherloc (09022015). Collection method: clinical testing. Allele origin: germline.
Comment: In summary, the available evidence is currently insufficient to determine the role of this variant in disease. Therefore, it has been classified as a Variant of Uncertain Significance. This sequence change replaces serine, which is neutral and polar, with asparagine, which is neutral and polar, at codon 135 of the EDN3 protein (p.Ser135Asn). This variant is not present in population databases (gnomAD no frequency). This variant has not been reported in the literature in individuals affected with EDN3-related conditions. ClinVar contains an entry for this variant (Variation ID: 1478818). Algorithms developed to predict the effect of missense changes on protein structure and function output the following: SIFT: "Tolerated"; PolyPhen-2: "Benign"; Align-GVGD: "Class C0". The asparagine amino acid residue is found in multiple mammalian species, which suggests that this missense change does not adversely affect protein function.

NM_207034.3(EDN3):c.404G>A (p.Ser135Asn)

Gene: EDN3 (endothelin 3; plus strand). Cytogenetic location: 20q13.32.
Variant type: single nucleotide variant.
Coding change: c.404G>A on transcript NM_207034.3 (MANE Select); coding-DNA position 404, G replaced by A.
Protein change: p.Ser135Asn; replaces serine 135 with asparagine.
Molecular consequence: missense variant.
Genome position (GRCh38, 1-based): chr20:59,321,055, G>A. VCF-style: chr20-59321055-G-A. GRCh37 (hg19) VCF-style: chr20-57896110-G-A.
Other names: c.404G>A, p.Ser135Asn (NM_001302455.2, NM_001302456.2, NM_207032.3 and 1 more transcripts); short protein forms S135N.
Identifiers: ClinVar variation 1478818 (VCV001478818.9), dbSNP rs374873073, ClinGen allele CA409708330.
Genomic context (GRCh38, chr20:59,321,055, plus strand): 5'-AACATTACCCTGTGCTTTGCAGACAGACGGTGCCCTATGGACTGTCCAACTACAGAGGAA[G>A]CTTCCGGGGCAAGAGGTCTGCGGGGCCACTTCCAGGGAATCTGCAGCTCTCACATCGGCC-3'
Protein context (NP_996917.1, residues 125-145): VPYGLSNYRG[Ser135Asn]FRGKRSAGPL